The following is an entry in ClinVar:

NM_006648.4(WNK2):c.6395G>T (p.Trp2132Leu)

Gene: WNK2 (WNK lysine deficient protein kinase 2; plus strand). Cytogenetic location: 9q22.31.
Variant type: single nucleotide variant.
Coding change: c.6395G>T on transcript NM_006648.4 (MANE Select); coding-DNA position 6395, G replaced by T.
Protein change: p.Trp2132Leu; replaces tryptophan 2132 with leucine.
Molecular consequence: missense variant.
Genome position (GRCh38, 1-based): chr9:93,308,463, G>T. VCF-style: chr9-93308463-G-T. GRCh37 (hg19) VCF-style: chr9-96070745-G-T.
Other names: c.6506G>T, p.Trp2169Leu (NM_001282394.3); short protein forms W2132L, W2169L.
Identifiers: ClinVar variation 4201843 (VCV004201843.1).

ClinVar aggregate classification (germline): Uncertain significance (1 of 4 stars; one submission).

Submission:

Ambry Genetics
Classification: Uncertain significance. Last evaluated: 2025-08-30. Review status: criteria provided, single submitter. Criteria: Ambry Variant Classification Scheme 2023. Collection method: clinical testing. Allele origin: germline.
Comment: The p.W2132L variant (also known as c.6395G>T), located in coding exon 27 of the WNK2 gene, results from a G to T substitution at nucleotide position 6395. The tryptophan at codon 2132 is replaced by leucine, an amino acid with similar properties. This amino acid position is conserved. In addition, this alteration is predicted to be deleterious by in silico analysis. Based on the available evidence, the clinical significance of this variant remains unclear.